The following is an entry in ClinVar:

ClinVar aggregate classification (germline): Uncertain significance (1 of 4 stars; one submission).

Conditions:
ANXA11-related disorder. Also called: ANXA11-related condition.

Allele frequency attached by ClinVar (database versions not stated): ExAC 0.00001; gnomAD 0.00001; gnomAD exomes 0.00001; TOPMed 0.00002.
gnomAD v4.1: 12 of 1,596,806 alleles (0.00075%); highest among the groups gnomAD compares: African/African-American, 0.004%; no homozygotes.

Submission:

PreventionGenetics, part of Exact Sciences
Classification: Uncertain significance for ANXA11-related condition. Last evaluated: 2023-03-24. Review status: criteria provided, single submitter. Criteria: ACMG Guidelines, 2015. Collection method: clinical testing. Allele origin: germline.
Comment: The ANXA11 c.653C>T variant is predicted to result in the amino acid substitution p.Thr218Met. This variant was documented in an individual with sporadic amyotrophic lateral sclerosis (DOI 10.1080/21678421.2019.1646990; Amyotrophic Lateral Sclerosis and Frontotemporal Degeneration, 2019; 20(Suppl. S1): 114–134). This variant is reported in 0.0073% of alleles in individuals of African descent in gnomAD. At this time, the clinical significance of this variant is uncertain due to the absence of conclusive functional and genetic evidence.

NM_145868.2(ANXA11):c.653C>T (p.Thr218Met)

Gene: ANXA11 (annexin A11; minus strand). Cytogenetic location: 10q22.3.
Variant type: single nucleotide variant.
Coding change: c.653C>T on transcript NM_145868.2 (MANE Select); coding-DNA position 653, C replaced by T.
Protein change: p.Thr218Met; replaces threonine 218 with methionine.
Molecular consequence: missense variant.
Genome position (GRCh38, 1-based): chr10:80,166,981, G>A on the plus strand (C>T on the coding strand, the complement: ANXA11 is on the minus strand). VCF-style: chr10-80166981-G-A. GRCh37 (hg19) VCF-style: chr10-81926737-G-A.
Other names: c.653C>T, p.Thr218Met (NM_001157.3, NM_001278407.2, NM_001278408.2 and 1 more transcripts); c.554C>T, p.Thr185Met (NM_001278409.2); short protein forms T185M, T218M.
Identifiers: ClinVar variation 2634471 (VCV002634471.1), dbSNP rs763964010, ClinGen allele CA5576189.